The following is an entry in ClinVar:

ClinVar aggregate classification (germline): Pathogenic. Review status: criteria provided, multiple submitters, no conflicts (2 of 4 stars). 3 submissions from 3 submitters: Pathogenic (3). Last evaluated 2026-09-08.

Conditions:
Fabry disease. Also called: Fabry's disease; GLA DEFICIENCY; HEREDITARY DYSTOPIC LIPIDOSIS; ANDERSON-FABRY DISEASE; CERAMIDE TRIHEXOSIDASE DEFICIENCY; Ceramide trihexosidosis. Identifiers: Orphanet 324, MedGen C0002986, MONDO:0010526, OMIM 301500, HP:0001071. Disease mechanism: loss of function, Fabry disease is due to inactivating mutations in the X-linked GLA gene resulting in deficiency of the enzyme Alpha Galactosidase-A..

Submissions (3):

Genomenon, Inc
Classification: Pathogenic for Fabry disease. Last evaluated: 2026-09-08. Review status: criteria provided, single submitter. Criteria: Genomenon Sequence Variant Interpretation Standards - Updated. Collection method: curation. Allele origin: germline. Affected: yes.
Comment: GLA p.Trp204Ter (c.611G>A) is a nonsense variant that introduces a premature stop codon at amino acid position 204 and is predicted to result in a truncated or absent protein product. This variant has been observed in at least one proband with clinical features consistent with Fabry disease (PMID:10916280;40692291;30594474;31996269;39390597). The variant was found to segregate with disease in at least one affected family (PMID:40692291;39390597). It is absent or not present at a significant frequency in gnomAD. In conclusion, we classify GLA p.Trp204Ter (c.611G>A) as a pathogenic variant.

Labcorp Genetics (formerly Invitae), Labcorp
Classification: Pathogenic for Fabry disease. Last evaluated: 2023-05-02. Review status: criteria provided, single submitter. Criteria: Invitae Variant Classification Sherloc (09022015). Collection method: clinical testing. Allele origin: germline.
Comment: ClinVar contains an entry for this variant (Variation ID: 2138666). For these reasons, this variant has been classified as Pathogenic. Algorithms developed to predict the effect of sequence changes on RNA splicing suggest that this variant may disrupt the consensus splice site. This premature translational stop signal has been observed in individual(s) with Fabry disease (PMID: 10916280). This variant is not present in population databases (gnomAD no frequency). This sequence change creates a premature translational stop signal (p.Trp204*) in the GLA gene. It is expected to result in an absent or disrupted protein product. Loss-of-function variants in GLA are known to be pathogenic (PMID: 10666480, 12175777).

GeneDx
Classification: Pathogenic. Last evaluated: 2022-09-24. Review status: criteria provided, single submitter. Criteria: GeneDx Variant Classification Process June 2021. Collection method: clinical testing. Allele origin: germline. Affected: yes.
Comment: Nonsense variant predicted to result in protein truncation or nonsense mediated decay in a gene for which loss of function is a known mechanism of disease; Not observed at significant frequency in large population cohorts (gnomAD); This variant is associated with the following publications: (PMID: 25525159, 34679477, 23935525, 33527381, 29305833, 30594474, 10916280, 32203225)

Literature cited by the submitters: PubMed 10916280 (cited by Genomenon, Inc and Labcorp Genetics (formerly Invitae), Labcorp); PubMed 40692291 (cited by Genomenon, Inc); PubMed 30594474 (cited by Genomenon, Inc); PubMed 31996269 (cited by Genomenon, Inc); PubMed 39390597 (cited by Genomenon, Inc); PubMed 10666480 (cited by Labcorp Genetics (formerly Invitae), Labcorp); PubMed 12175777 (cited by Labcorp Genetics (formerly Invitae), Labcorp).

NM_000169.3(GLA):c.611G>A (p.Trp204Ter)

Genes: GLA (galactosidase alpha; minus strand), RPL36A-HNRNPH2 (RPL36A-HNRNPH2 readthrough; plus strand). Cytogenetic location: Xq22.1.
Variant type: single nucleotide variant.
Coding change: c.611G>A on transcript NM_000169.3 (MANE Select); coding-DNA position 611, G replaced by A.
Protein change: p.Trp204Ter; replaces tryptophan 204 with a stop codon.
Molecular consequence: nonsense. On other transcripts: non-coding transcript variant (2), intron variant (2).
Genome position (GRCh38, 1-based): chrX:101,400,694, C>T on the plus strand (G>A on the coding strand, the complement: GLA is on the minus strand). VCF-style: chrX-101400694-C-T. GRCh37 (hg19) VCF-style: chrX-100655682-C-T.
Other names: c.734G>A, p.Trp245Ter (NM_001406747.1); c.611G>A, p.Trp204Ter (NM_001406748.1); c.300+5237C>T (NM_001199973.2); c.177+8872C>T (NM_001199974.2); short protein forms W204*, W245*.
Identifiers: ClinVar variation 2138666 (VCV002138666.7), dbSNP rs869312346, ClinGen allele CA352973.
Genomic context (GRCh38, chrX:101,400,694, plus strand): 5'-AGTTCTATTGGATTCTGGGCTCACTATCTCACCTTTTGAAAGGGCCACATATAAAGAGGC[C>T]ACTCACAGGAGTACACAATGCTTCTGCCAGTCCTATTCAGGGCCAAGGACATGTGCTTAT-3'